The following is an entry in ClinVar:

ClinVar aggregate classification (germline): Pathogenic (1 of 4 stars; one submission).

Conditions:
Joubert syndrome 17 (JBTS17). Identifiers: Orphanet 475, MedGen C3553264, MONDO:0013824, OMIM 614615.

Submission:

Prenatal Diagnosis Center, The Sixth Medical Center of PLA General Hospital
Classification: Pathogenic for Joubert syndrome 17. Last evaluated: 2020-06-02. Review status: criteria provided, single submitter. Criteria: ACMG Guidelines, 2015. Collection method: clinical testing. Allele origin: maternal. Inheritance: Autosomal recessive inheritance. Affected: yes. Observed: 1 compound heterozygote.
Comment: This maternal variant, c.7691-4_7691-5TT>-, predicted to cause an aberrant splicing, which caused skipping of exon 39 (122bp) that would introduce a premature termination. In summary, the non-classical splicing variant meets the criteria to be classified as pathogenic (ACMG Guidelines, 2015) based upon cDNA study, and absence from controls.

NM_001384732.1(CPLANE1):c.7691-107_7691-105del

Gene: CPLANE1 (ciliogenesis and planar polarity effector complex subunit 1; minus strand). Cytogenetic location: 5p13.2.
Variant type: Deletion.
Coding change: c.7691-107_7691-105del on transcript NM_001384732.1 (MANE Select); 107 bases into the intron before coding-DNA position 7691 through 105 bases into the intron before coding-DNA position 7691, 3 bases deleted (TAC; older notation c.7691-107_7691-105delTAC).
Molecular consequence: intron variant.
Genome position (GRCh38, 1-based): chr5:37,158,450-37,158,452, GTA deleted on the plus strand (TAC on the coding strand, the reverse complement: CPLANE1 is on the minus strand). VCF-style (leftmost placement, unchanged base first): chr5-37158449-TGTA-T. GRCh37 (hg19) VCF-style: chr5-37158551-TGTA-T.
Other names: c.7691-107_7691-105del (NM_023073.4).
Identifiers: ClinVar variation 982303 (VCV000982303.3), dbSNP rs1775821411, ClinGen allele CA1139658804.